The following is an entry in ClinVar:

ClinVar aggregate classification (germline): Likely benign (1 of 4 stars; one submission).

Allele frequency attached by ClinVar (database versions not stated): gnomAD 0.00115; 1000 Genomes Project 0.00120; 1000 Genomes Project 30x 0.00125; TOPMed 0.00132; ExAC 0.00134; ESP Exome Variant Server 0.00146.
gnomAD v4.1: 2,363 of 1,612,736 alleles (0.15%); highest among the groups gnomAD compares: Middle Eastern, 0.33%; 5 homozygotes.

Submission:

CeGaT Center for Human Genetics Tuebingen
Classification: Likely benign. Last evaluated: 2022-12-01. Review status: criteria provided, single submitter. Criteria: CeGaT Center For Human Genetics Tuebingen Variant Classification Criteria Version 2. Collection method: clinical testing. Allele origin: germline. Affected: yes. Observed: 1 variant allele.
Comment: ZFPM1: BP4, BP7

NM_153813.3(ZFPM1):c.171G>A (p.Pro57=)

Gene: ZFPM1 (zinc finger protein, FOG family member 1; plus strand). Cytogenetic location: 16q24.2.
Variant type: single nucleotide variant.
Coding change: c.171G>A on transcript NM_153813.3 (MANE Select); coding-DNA position 171, G replaced by A.
Protein change: p.Pro57=; no amino-acid change (proline 57 retained).
Molecular consequence: synonymous variant.
Genome position (GRCh38, 1-based): chr16:88,489,056, G>A. VCF-style: chr16-88489056-G-A. GRCh37 (hg19) VCF-style: chr16-88555464-G-A.
Identifiers: ClinVar variation 2646973 (VCV002646973.24), dbSNP rs148828760, ClinGen allele CA8225765.
Genomic context (GRCh38, chr16:88,489,056, plus strand): 5'-TCAGCAGGGATGTGACGGTGTTTTCCTCTCTGCAGATGTTAACTCACCCCCACCGCTGCC[G>A]CCCCCCACATCCCCAGGAGGCCCCAAGGAGCTGGAAGGACAGGAACCAGAACCCAGGCCC-3'
Protein context (NP_722520.2, residues 47-67): SADVNSPPPL[Pro57=]PPTSPGGPKE